The following is an entry in ClinVar:

ClinVar aggregate classification (germline): Uncertain significance. Review status: reviewed by expert panel (3 of 4 stars). 6 submissions from 6 submitters: Uncertain significance (1). 5 of the submissions do not count toward it. Last evaluated 2022-03-09.

Conditions:
ATM-related cancer predisposition. Also called: ATM-related cancer susceptibility. Identifiers: MedGen CN377759, MONDO:0700270.
Hereditary cancer-predisposing syndrome. Also called: Hereditary Cancer Syndrome; Neoplastic Syndromes, Hereditary; Tumor predisposition; Hereditary neoplastic syndrome. Identifiers: Orphanet 140162, MedGen C0027672, MeSH D009386, MONDO:0015356.
Ataxia-telangiectasia syndrome (AT). Also called: ATAXIA-TELANGIECTASIA, COMPLEMENTATION GROUP A; ATAXIA-TELANGIECTASIA, FRESNO VARIANT; Ataxia-telangiectasia; LOUIS-BAR SYNDROME; Ataxia telangiectasia (A-T); Ataxia-telangiectasia, complementation group D. Identifiers: Orphanet 100, MedGen C0004135, MONDO:0008840, OMIM 208900.

Submissions (6):

ClinGen Hereditary Breast, Ovarian and Pancreatic Cancer Variant Curation Expert Panel, ClinGen
Classification: Uncertain significance for ATM-related cancer predisposition. Last evaluated: 2022-03-09. Review status: reviewed by expert panel. Criteria: clingen hbop acmg specifications atm v1-1. Collection method: curation. Allele origin: germline. Inheritance: Autosomal dominant inheritance.
Comment: The ATM c.1905_1910del (p.His365_His636del) variant is absent in the GnomAD v2.1.1 cohort (PM2_Supporting). In silico structural impact predictors (Provean, -3.857) predict that this alteration is deleterious (PP3). In summary, this variant meets criteria to be classified as a variant of uncertain significance. ACMG/AMP criteria applied, as specified by the HBOP Variant Curation Expert Panel.

Labcorp Genetics (formerly Invitae), Labcorp
Classification: Uncertain significance for Ataxia-telangiectasia syndrome. Last evaluated: 2025-10-11. Review status: criteria provided, single submitter. Criteria: Invitae Variant Classification Sherloc (09022015). Collection method: clinical testing. Allele origin: germline. Not counted in ClinVar's aggregate classification.
Comment: This variant, c.1905_1910del, results in the deletion of 2 amino acid(s) of the ATM protein (p.His635_His636del), but otherwise preserves the integrity of the reading frame. This variant is not present in population databases (gnomAD no frequency). This variant has not been reported in the literature in individuals affected with ATM-related conditions. ClinVar contains an entry for this variant (Variation ID: 141289). Experimental studies and prediction algorithms are not available or were not evaluated, and the functional significance of this variant is currently unknown. Studies have shown that this variant is associated with inconclusive levels of altered splicing (internal data). In summary, the available evidence is currently insufficient to determine the role of this variant in disease. Therefore, it has been classified as a Variant of Uncertain Significance.

Ambry Genetics
Classification: Uncertain significance for Hereditary cancer-predisposing syndrome. Last evaluated: 2025-07-21. Review status: criteria provided, single submitter. Criteria: Ambry Variant Classification Scheme 2023. Collection method: clinical testing. Allele origin: germline. Not counted in ClinVar's aggregate classification.
Comment: The c.1905_1910delCCACCA variant (also known as p.H635_H636del) is located in coding exon 12 of the ATM gene. This variant results from an in-frame CCACCA deletion at nucleotide positions 1905 to 1910. This results in the in-frame deletion of two histidine residues at codons 635 and 636. These amino acid positions are not well conserved in available vertebrate species. In addition, the in silico prediction for this alteration is inconclusive (Choi Y et al. PLoS ONE. 2012; 7(10):e46688). Since supporting evidence is limited at this time, the clinical significance of this alteration remains unclear.

GeneDx
Classification: Uncertain significance. Last evaluated: 2015-09-16. Review status: criteria provided, single submitter. Criteria: GeneDx Variant Classification (06012015). Collection method: clinical testing. Allele origin: germline. Affected: yes. Not counted in ClinVar's aggregate classification.
Comment: This deletion of 6 nucleotides in ATM is denoted c.1905_1910delCCACCA at the cDNA level and p.His635_His636del (H635_H636del) at the protein level. The normal sequence, with the bases that are deleted in braces, is AACA[CCACCA]AAAAG. This in frame deletion occurs in a region that is not conserved and is not located in a known functional domain (Tavtigian 2009, Stracker 2013). This variant has not, to our knowledge, been published in the literature as pathogenic or benign. Since in frame deletions may or may not inhibit proper protein functioning, the clinical significance of this finding remains unclear at this time and we consider ATM His635_H636del to be a variant of uncertain significance.

Natera, Inc.
Classification: Uncertain significance for Ataxia-telangiectasia. Last evaluated: 2020-09-16. Review status: no assertion criteria provided. Collection method: clinical testing. Allele origin: germline. Not counted in ClinVar's aggregate classification.

Counsyl
Classification: Uncertain significance for Ataxia-telangiectasia syndrome. Last evaluated: 2018-05-23. Review status: no assertion criteria provided. Collection method: clinical testing. Allele origin: unknown. Not counted in ClinVar's aggregate classification.

NM_000051.4(ATM):c.1905_1910del (p.His635_His636del)

Gene: ATM (ATM serine/threonine kinase; plus strand). Cytogenetic location: 11q22.3.
Variant type: Deletion.
Coding change: c.1905_1910del on transcript NM_000051.4 (MANE Select); coding-DNA positions 1905 to 1910, 6 bases deleted (CCACCA; older notation c.1905_1910delCCACCA).
Protein change: p.His635_His636del.
Molecular consequence: inframe deletion.
Genome position (GRCh38, 1-based): chr11:108,253,820-108,253,825, CCACCA deleted; deleting any 6 consecutive bases within chr11:108,253,818-108,253,825 gives the same sequence; the c. name uses the placement nearest the transcript's 3' end. VCF-style (leftmost placement, unchanged base first): chr11-108253817-ACACCAC-A. GRCh37 (hg19) VCF-style: chr11-108124544-ACACCAC-A.
Other names: NM_000051.3(ATM):c.1905_1910del; p.His635_His636del; c.1905_1910delCCACCA (NM_000051.3); c.1905_1910del6 (NM_000051.3); c.1905_1910del, p.His635_His636del (NM_001351834.2).
Identifiers: ClinVar variation 141289 (VCV000141289.20), dbSNP rs587781635, ClinGen allele CA165011.